The following is an entry in ClinVar:

NM_033087.4(ALG2):c.507G>A (p.Met169Ile)

Gene: ALG2 (ALG2 alpha-1,3/1,6-mannosyltransferase; minus strand). Cytogenetic location: 9q22.33.
Variant type: single nucleotide variant.
Coding change: c.507G>A on transcript NM_033087.4 (MANE Select); coding-DNA position 507, G replaced by A.
Protein change: p.Met169Ile; replaces methionine 169 with isoleucine.
Molecular consequence: missense variant. On other transcripts: non-coding transcript variant (1).
Genome position (GRCh38, 1-based): chr9:99,218,678, C>T on the plus strand (G>A on the coding strand, the complement: ALG2 is on the minus strand). VCF-style: chr9-99218678-C-T. GRCh37 (hg19) VCF-style: chr9-101980960-C-T.
Other names: short protein forms M169I.
Identifiers: ClinVar variation 1510438 (VCV001510438.8), dbSNP rs779723777, ClinGen allele CA5156303.

ClinVar aggregate classification (germline): Uncertain significance (1 of 4 stars; one submission).

Conditions:
Congenital disorder of glycosylation, type Ii. Also called: ALG2-CDG; CDG Ii; ALG2-congenital disorder of glycosylation. Identifiers: Orphanet 79326, MedGen C1842836, MONDO:0011933, OMIM 607906.
Congenital myasthenic syndrome 14. Also called: Myasthenic syndrome, congenital, 14, with tubular aggregates. Identifiers: Orphanet 353327, Orphanet 590, MedGen C4015597, MONDO:0014543, OMIM 616228.

Allele frequency attached by ClinVar (database versions not stated): gnomAD exomes below 0.00001; ExAC 0.00001.

Submission:

Labcorp Genetics (formerly Invitae), Labcorp
Classification: Uncertain significance for Congenital disorder of glycosylation, type Ii; Congenital myasthenic syndrome 14. Last evaluated: 2021-02-09. Review status: criteria provided, single submitter. Criteria: Invitae Variant Classification Sherloc (09022015). Collection method: clinical testing. Allele origin: germline.
Comment: In summary, the available evidence is currently insufficient to determine the role of this variant in disease. Therefore, it has been classified as a Variant of Uncertain Significance. Algorithms developed to predict the effect of missense changes on protein structure and function (SIFT, PolyPhen-2, Align-GVGD) all suggest that this variant is likely to be tolerated, but these predictions have not been confirmed by published functional studies and their clinical significance is uncertain. This variant has not been reported in the literature in individuals with ALG2-related conditions. The frequency data for this variant in the population databases is considered unreliable, as metrics indicate poor data quality at this position in the ExAC database. This sequence change replaces methionine with isoleucine at codon 169 of the ALG2 protein (p.Met169Ile). The methionine residue is moderately conserved and there is a small physicochemical difference between methionine and isoleucine.